The following is an entry in ClinVar:

ClinVar aggregate classification (germline): Uncertain significance (1 of 4 stars; one submission).

Submission:

GeneDx
Classification: Uncertain significance. Last evaluated: 2023-06-04. Review status: criteria provided, single submitter. Criteria: GeneDx Variant Classification Process June 2021. Collection method: clinical testing. Allele origin: germline. Affected: yes.
Comment: Not observed at significant frequency in large population cohorts (gnomAD); In silico analysis supports that this missense variant has a deleterious effect on protein structure/function; Has not been previously published as pathogenic or benign to our knowledge

NM_197968.4(ZMYM2):c.1835G>T (p.Cys612Phe)

Gene: ZMYM2 (zinc finger MYM-type containing 2; plus strand). Cytogenetic location: 13q12.11.
Variant type: single nucleotide variant.
Coding change: c.1835G>T on transcript NM_197968.4 (MANE Select); coding-DNA position 1835, G replaced by T.
Protein change: p.Cys612Phe; replaces cysteine 612 with phenylalanine.
Molecular consequence: missense variant. On other transcripts: non-coding transcript variant (1).
Genome position (GRCh38, 1-based): chr13:20,027,302, G>T. VCF-style: chr13-20027302-G-T. GRCh37 (hg19) VCF-style: chr13-20601442-G-T.
Other names: c.1835G>T, p.Cys612Phe (NM_001190964.4, NM_001190965.4, NM_001353157.2 and 5 more transcripts); c.1640G>T, p.Cys547Phe (NM_001353161.3); c.1574G>T, p.Cys525Phe (NM_001353163.2); short protein forms C525F, C547F, C612F.
Identifiers: ClinVar variation 3359301 (VCV003359301.1).